The following is an entry in ClinVar:

NM_002439.5(MSH3):c.3130G>C (p.Gly1044Arg)

Gene: MSH3 (mutS homolog 3; plus strand). Cytogenetic location: 5q14.1.
Variant type: single nucleotide variant.
Coding change: c.3130G>C on transcript NM_002439.5 (MANE Select); coding-DNA position 3130, G replaced by C.
Protein change: p.Gly1044Arg; replaces glycine 1044 with arginine.
Molecular consequence: missense variant.
Genome position (GRCh38, 1-based): chr5:80,864,942, G>C. VCF-style: chr5-80864942-G-C. GRCh37 (hg19) VCF-style: chr5-80160761-G-C.
Other names: short protein forms G1044R.
Identifiers: ClinVar variation 1727963 (VCV001727963.2), dbSNP rs1451464888, ClinGen allele CA360346525.
Genomic context (GRCh38, chr5:80,864,942, plus strand): 5'-CAGGTGGGGAATTACCACATGGGATTCTTGGTCAGTGAGGATGAAAGCAAACTGGATCCA[G>C]GTATGAAATATTCCTGCAGTTGGTACAAATATTGGTTTTCATGTTTGATAACTCAAAGTT-3'
Protein context (NP_002430.3, residues 1034-1054): VSEDESKLDP[Gly1044Arg]AAEQVPDFVT

ClinVar aggregate classification (germline): Uncertain significance (1 of 4 stars; one submission).

Conditions:
Hereditary cancer-predisposing syndrome. Also called: Tumor predisposition; Neoplastic Syndromes, Hereditary; Hereditary Cancer Syndrome; Hereditary neoplastic syndrome. Identifiers: Orphanet 140162, MedGen C0027672, MeSH D009386, MONDO:0015356.

Submission:

Ambry Genetics
Classification: Uncertain significance for Hereditary cancer-predisposing syndrome. Last evaluated: 2021-03-29. Review status: criteria provided, single submitter. Criteria: Ambry Variant Classification Scheme 2023. Collection method: clinical testing. Allele origin: germline.
Comment: The p.G1044R variant (also known as c.3130G>C ), located in coding exon 22 of the MSH3 gene, results from a G to C substitution at nucleotide position 3130. The amino acid change results in glycine to arginine at codon 1044, an amino acid with dissimilar properties. However, this change occurs in the last base pair of coding exon 22, which makes it likely to have some effect on normal mRNA splicing. This nucleotide position is well conserved in available vertebrate species. This amino acid position is well conserved in available vertebrate species. In silico splice site analysis predicts that this alteration will weaken the native splice donor site, and as a missense substitution this is predicted to be tolerated by in silico analysis. Since supporting evidence is limited at this time, the clinical significance of this alteration remains unclear.